The following is an entry in ClinVar:

NM_021930.6(RINT1):c.391A>C (p.Ile131Leu)

Gene: RINT1 (RAD50 interactor 1; plus strand). Cytogenetic location: 7q22.3.
Variant type: single nucleotide variant.
Coding change: c.391A>C on transcript NM_021930.6 (MANE Select); coding-DNA position 391, A replaced by C.
Protein change: p.Ile131Leu; replaces isoleucine 131 with leucine.
Molecular consequence: missense variant. On other transcripts: 5 prime UTR variant (3), non-coding transcript variant (1).
Genome position (GRCh38, 1-based): chr7:105,542,525, A>C. VCF-style: chr7-105542525-A-C. GRCh37 (hg19) VCF-style: chr7-105182972-A-C.
Other names: c.157A>C, p.Ile53Leu (NM_001346599.2); c.-629A>C (NM_001346600.2); c.-532A>C (NM_001346601.2); c.-152A>C (NM_001346603.2); short protein forms I131L, I53L.
Identifiers: ClinVar variation 3945998 (VCV003945998.1).

ClinVar aggregate classification (germline): Uncertain significance (1 of 4 stars; one submission).

gnomAD v4.1: 2 of 1,614,206 alleles (0.00012%); highest among the groups gnomAD compares: African/African-American, 0.0013%; no homozygotes.

Submission:

Ambry Genetics
Classification: Uncertain significance. Last evaluated: 2025-05-15. Review status: criteria provided, single submitter. Criteria: Ambry Variant Classification Scheme 2023. Collection method: clinical testing. Allele origin: germline.
Comment: The p.I131L variant (also known as c.391A>C), located in coding exon 4 of the RINT1 gene, results from an A to C substitution at nucleotide position 391. The isoleucine at codon 131 is replaced by leucine, an amino acid with highly similar properties. This amino acid position is conserved. In addition, this alteration is predicted to be tolerated by in silico analysis. Based on the available evidence, the clinical significance of this variant remains unclear.